The following is an entry in ClinVar:

ClinVar aggregate classification (germline): Pathogenic. Review status: criteria provided, multiple submitters, no conflicts (2 of 4 stars). 2 submissions from 2 submitters: Pathogenic (2). Last evaluated 2026-03-22.

Conditions:
Focal segmental glomerulosclerosis (FSGS). Also called: Glomerulosclerosis, focal; Focal sclerosis with hyalinosis. Identifiers: MedGen C0017668, MONDO:0100313, HP:0000097. Disease mechanism: loss of function.

Submissions (2):

Molecular Lab, University of Sulaimaniyah
Classification: Pathogenic for Focal segmental glomerulosclerosis. Last evaluated: 2026-03-22. Review status: criteria provided, single submitter. Criteria: ACMG Guidelines, 2015. Collection method: clinical testing. Allele origin: germline. Inheritance: Autosomal dominant inheritance. Affected: yes. Observed: 1 variant allele, 1 heterozygote.
Comment: This variant was classified using the ACMG/AMP 2015 framework (PMID:25741868). PVS1 was applied because COL4A4 c.1220delC (p.Pro407LeufsTer51) is a predicted loss-of-function frameshift variant expected to introduce a premature termination codon. PM2 was considered because the variant is rare in population databases (<0.01%). As internal case-level support, the variant was observed in 1 affected individual(s) from a biopsy-proven focal segmental glomerulosclerosis cohort, including 1 heterozygote(s). Overall, the submitted evidence supported a Pathogenic classification.

Labcorp Genetics (formerly Invitae), Labcorp
Classification: Pathogenic. Last evaluated: 2019-03-26. Review status: criteria provided, single submitter. Criteria: Invitae Variant Classification Sherloc (09022015). Collection method: clinical testing. Allele origin: germline.
Comment: This variant has not been reported in the literature in individuals with COL4A4-related conditions. Loss-of-function variants in COL4A4 are known to be pathogenic (PMID: 11961012, 14582039, 19129241, 21196518, 24052634, 24522496, 24854265, 25307543, 26809805, 27281700). For these reasons, this variant has been classified as Pathogenic. This variant is not present in population databases (ExAC no frequency). This sequence change creates a premature translational stop signal (p.Pro407Leufs*51) in the COL4A4 gene. It is expected to result in an absent or disrupted protein product.

Literature cited by the submitters: PubMed 11961012 (cited by Labcorp Genetics (formerly Invitae), Labcorp); PubMed 14582039 (cited by Labcorp Genetics (formerly Invitae), Labcorp); PubMed 19129241 (cited by Labcorp Genetics (formerly Invitae), Labcorp); PubMed 21196518 (cited by Labcorp Genetics (formerly Invitae), Labcorp); PubMed 24052634 (cited by Labcorp Genetics (formerly Invitae), Labcorp); PubMed 24522496 (cited by Labcorp Genetics (formerly Invitae), Labcorp); PubMed 24854265 (cited by Labcorp Genetics (formerly Invitae), Labcorp); PubMed 25307543 (cited by Labcorp Genetics (formerly Invitae), Labcorp); PubMed 26809805 (cited by Labcorp Genetics (formerly Invitae), Labcorp); PubMed 27281700 (cited by Labcorp Genetics (formerly Invitae), Labcorp).

NM_000092.5(COL4A4):c.1220del (p.Pro407fs)

Gene: COL4A4 (collagen type IV alpha 4 chain; minus strand). Cytogenetic location: 2q36.3.
Variant type: Deletion.
Coding change: c.1220del on transcript NM_000092.5 (MANE Select); coding-DNA position 1220, one base deleted (C; older notation c.1220delC).
Protein change: p.Pro407fs; shifts the reading frame from proline 407.
Molecular consequence: frameshift variant.
Genome position (GRCh38, 1-based): chr2:227,094,274, G deleted on the plus strand (C on the coding strand, the reverse complement: COL4A4 is on the minus strand); the first of 5 consecutive G bases (chr2:227,094,274-227,094,278); deleting any one gives the same sequence. VCF-style (leftmost placement, unchanged base first): chr2-227094273-AG-A. GRCh37 (hg19) VCF-style: chr2-227958989-AG-A.
Other names: c.1220delC (NM_000092.5); short protein forms P407fs.
Identifiers: ClinVar variation 945738 (VCV000945738.7), dbSNP rs1396423880, ClinGen allele CA540306583.